The following is an entry in ClinVar:

ClinVar aggregate classification (germline): Uncertain significance (1 of 4 stars; one submission).

Conditions:
Ataxia-telangiectasia syndrome (AT). Also called: Ataxia-telangiectasia, complementation group D; AT, COMPLEMENTATION GROUP C; Ataxia-telangiectasia; Ataxia telangiectasia (A-T); Cerebello-oculocutaneous telangiectasia; Immunodeficiency with ataxia telangiectasia. Identifiers: Orphanet 100, MedGen C0004135, MONDO:0008840, OMIM 208900.

Submission:

Labcorp Genetics (formerly Invitae), Labcorp
Classification: Uncertain significance for Ataxia-telangiectasia syndrome. Last evaluated: 2024-04-22. Review status: criteria provided, single submitter. Criteria: Invitae Variant Classification Sherloc (09022015). Collection method: clinical testing. Allele origin: germline.
Comment: This sequence change replaces arginine, which is basic and polar, with isoleucine, which is neutral and non-polar, at codon 832 of the ATM protein (p.Arg832Ile). This variant is present in population databases (no rsID available, gnomAD 0.001%). This variant has not been reported in the literature in individuals affected with ATM-related conditions. An algorithm developed to predict the effect of missense changes on protein structure and function (PolyPhen-2) suggests that this variant is likely to be tolerated. In summary, the available evidence is currently insufficient to determine the role of this variant in disease. Therefore, it has been classified as a Variant of Uncertain Significance.

NM_000051.4(ATM):c.2494_2495delinsAT (p.Arg832Ile)

Gene: ATM (ATM serine/threonine kinase; plus strand). Cytogenetic location: 11q22.3.
Variant type: Indel.
Coding change: c.2494_2495delinsAT on transcript NM_000051.4 (MANE Select); coding-DNA positions 2494 to 2495, CG replaced by AT.
Protein change: p.Arg832Ile; replaces arginine 832 with isoleucine.
Molecular consequence: missense variant.
Genome position (GRCh38, 1-based): chr11:108,267,198-108,267,199, CG replaced by AT. VCF-style: chr11-108267198-CG-AT. GRCh37 (hg19) VCF-style: chr11-108137925-CG-AT.
Other names: c.2494_2495delinsAT, p.Arg832Ile (NM_001351834.2); short protein forms R832I.
Identifiers: ClinVar variation 3617652 (VCV003617652.2).